The following is an entry in ClinVar:

NM_001457.4(FLNB):c.787G>A (p.Gly263Arg)

Gene: FLNB (filamin B; plus strand). Cytogenetic location: 3p14.3.
Variant type: single nucleotide variant.
Coding change: c.787G>A on transcript NM_001457.4 (MANE Select); coding-DNA position 787, G replaced by A.
Protein change: p.Gly263Arg; replaces glycine 263 with arginine.
Molecular consequence: missense variant.
Genome position (GRCh38, 1-based): chr3:58,081,776, G>A. VCF-style: chr3-58081776-G-A. GRCh37 (hg19) VCF-style: chr3-58067503-G-A.
Other names: c.787G>A, p.Gly263Arg (NM_001164317.2, NM_001164318.2, NM_001164319.2); short protein forms G263R.
Identifiers: ClinVar variation 3022704 (VCV003022704.3), dbSNP rs986194672, ClinGen allele CA75429991.
Genomic context (GRCh38, chr3:58,081,776, plus strand): 5'-AAGCCGGGGGCTCCTCTCAAACCCAAACTCAACCCGAAGAAAGCCAGGGCCTATGGCAGA[G>A]GTGAGTGCTGGTCCTCTGGTGTTGTATTGGAGACATGTCCTCTGGTGTTGGAGATGATTT-3'
Protein context (NP_001448.2, residues 253-273): NPKKARAYGR[Gly263Arg]IEPTGNMVKQ

ClinVar aggregate classification (germline): Uncertain significance (1 of 4 stars; one submission).

Allele frequency attached by ClinVar (database versions not stated): gnomAD 0.00001; TOPMed 0.00002.

Submission:

Labcorp Genetics (formerly Invitae), Labcorp
Classification: Uncertain significance. Last evaluated: 2023-06-21. Review status: criteria provided, single submitter. Criteria: Invitae Variant Classification Sherloc (09022015). Collection method: clinical testing. Allele origin: germline.
Comment: This variant is not present in population databases (gnomAD no frequency). This sequence change replaces glycine, which is neutral and non-polar, with arginine, which is basic and polar, at codon 263 of the FLNB protein (p.Gly263Arg). This variant also falls at the last nucleotide of exon 4, which is part of the consensus splice site for this exon. This variant has not been reported in the literature in individuals affected with FLNB-related conditions. An algorithm developed to predict the effect of missense changes on protein structure and function (PolyPhen-2) suggests that this variant is likely to be disruptive. Variants that disrupt the consensus splice site are a relatively common cause of aberrant splicing (PMID: 17576681, 9536098). In summary, the available evidence is currently insufficient to determine the role of this variant in disease. Therefore, it has been classified as a Variant of Uncertain Significance.

Literature cited by the submitters: PubMed 17576681; PubMed 9536098.